The following is an entry in ClinVar:

ClinVar aggregate classification (germline): Benign/Likely benign. Review status: criteria provided, multiple submitters, no conflicts (2 of 4 stars). 6 submissions from 6 submitters: Benign (2); Likely benign (4). Last evaluated 2026-09-21.

Conditions:
Marfan syndrome (MFS). Also called: FBN1-Related Marfan Syndrome; MARFAN SYNDROME, TYPE I; Marfan syndrome, classic; Marfan syndrome type 1; Marfan's syndrome. Identifiers: Orphanet 284963, Orphanet 558, MedGen C0024796, MONDO:0007947, OMIM 154700.
Familial thoracic aortic aneurysm and aortic dissection (TAAD). Also called: Thoracic aortic aneurysms and dissections. Identifiers: Orphanet 91387, MedGen C4707243, MONDO:0019625.

Allele frequency attached by ClinVar (database versions not stated): gnomAD exomes 0.00002 and 0.00008; ExAC 0.00003; gnomAD 0.00006; TOPMed 0.00003.
gnomAD v4.1: 39 of 1,614,134 alleles (0.0024%); highest among the groups gnomAD compares: East Asian, 0.078%; no homozygotes.

Submissions (6):

Molecular Diagnostic Laboratory for Inherited Cardiovascular Disease, Montreal Heart Institute
Classification: Likely benign. Last evaluated: 2026-09-21. Review status: criteria provided, single submitter. Criteria: ACMG Guidelines, 2015. Collection method: clinical testing. Allele origin: germline. Affected: no.
Comment: BS1;BP7

Labcorp Genetics (formerly Invitae), Labcorp
Classification: Likely benign for Marfan syndrome; Familial thoracic aortic aneurysm and aortic dissection. Last evaluated: 2025-05-19. Review status: criteria provided, single submitter. Criteria: Invitae Variant Classification Sherloc (09022015). Collection method: clinical testing. Allele origin: germline.

Blueprint Genetics
Classification: Likely benign. Last evaluated: 2024-08-27. Review status: criteria provided, single submitter. Criteria: ACMG Guidelines, 2015. Collection method: clinical testing. Allele origin: germline.

All of Us Research Program, National Institutes of Health
Classification: Benign for Marfan syndrome. Last evaluated: 2024-07-20. Review status: criteria provided, single submitter. Criteria: ACMG Guidelines, 2015. Collection method: clinical testing. Allele origin: germline. Inheritance: Autosomal dominant inheritance. Observed: 11 variant alleles, 11 heterozygotes.
Comment: This study involves interpretation of variants in research participants for the purpose of population health screening. Participant phenotype was not available at the time of variant classification. Additional details can be found in publication PMID: 35346344, PMCID: PMC8962531

Ambry Genetics
Classification: Likely benign for Familial thoracic aortic aneurysm and aortic dissection. Last evaluated: 2023-09-24. Review status: criteria provided, single submitter. Criteria: Ambry Variant Classification Scheme 2023. Collection method: clinical testing. Allele origin: germline.

Color Diagnostics, LLC DBA Color Health
Classification: Benign for Familial thoracic aortic aneurysm and aortic dissection. Last evaluated: 2019-03-08. Review status: criteria provided, single submitter. Criteria: ACMG Guidelines, 2015. Collection method: clinical testing. Allele origin: germline.

NM_000138.5(FBN1):c.2901C>T (p.Cys967=)

Gene: FBN1 (fibrillin 1; minus strand). Cytogenetic location: 15q21.1.
Variant type: single nucleotide variant.
Coding change: c.2901C>T on transcript NM_000138.5 (MANE Select); coding-DNA position 2901, C replaced by T.
Protein change: p.Cys967=; no amino-acid change (cysteine 967 retained).
Molecular consequence: synonymous variant.
Genome position (GRCh38, 1-based): chr15:48,490,032, G>A on the plus strand (C>T on the coding strand, the complement: FBN1 is on the minus strand). VCF-style: chr15-48490032-G-A. GRCh37 (hg19) VCF-style: chr15-48782229-G-A.
Identifiers: ClinVar variation 732450 (VCV000732450.17), dbSNP rs755610084, ClinGen allele CA049275.